The following is an entry in ClinVar:

NM_000455.5(STK11):c.1193C>T (p.Ala398Val)

Gene: STK11 (serine/threonine kinase 11; plus strand). Cytogenetic location: 19p13.3.
Variant type: single nucleotide variant.
Coding change: c.1193C>T on transcript NM_000455.5 (MANE Select); coding-DNA position 1193, C replaced by T.
Protein change: p.Ala398Val; replaces alanine 398 with valine.
Molecular consequence: missense variant.
Genome position (GRCh38, 1-based): chr19:1,226,538, C>T. VCF-style: chr19-1226538-C-T. GRCh37 (hg19) VCF-style: chr19-1226537-C-T.
Other names: short protein forms A398V.
Identifiers: ClinVar variation 184646 (VCV000184646.41), dbSNP rs768058962, ClinGen allele CA022442.
Genomic context (GRCh38, chr19:1,226,538, plus strand): 5'-GTCACAATGGACAGCGCCGGGGCCTCCCCAAGGCCGTGTGTATGAACGGCACAGAGGCGG[C>T]GCAGCTGAGCACCAAATCCAGGGCGGAGGGCCGGGCCCCCAACCCTGCCCGCAAGGCCTG-3'
Protein context (NP_000446.1, residues 388-408): KAVCMNGTEA[Ala398Val]QLSTKSRAEG

ClinVar aggregate classification (germline): Conflicting classifications of pathogenicity. Review status: criteria provided, conflicting classifications (1 of 4 stars). 15 submissions from 15 submitters: Uncertain significance (10); Benign (1); Likely benign (2). 2 of the submissions do not count toward it. Last evaluated 2026-01-18.

Conditions:
Hereditary cancer-predisposing syndrome. Also called: Tumor predisposition; Neoplastic Syndromes, Hereditary; Hereditary Cancer Syndrome; Hereditary neoplastic syndrome. Identifiers: Orphanet 140162, MedGen C0027672, MeSH D009386, MONDO:0015356.
Peutz-Jeghers syndrome (PJS). Also called: Peutz-Jeghers polyposis; Periorificial lentiginosis syndrome; POLYPOSIS, HAMARTOMATOUS INTESTINAL; POLYPS-AND-SPOTS SYNDROME. Identifiers: Orphanet 2869, MedGen C0031269, MeSH D010580, MONDO:0008280, OMIM 175200.
Breast carcinoma. Also called: Carcinoma of breast. Identifiers: MedGen C0678222, MONDO:0004989, HP:0003002.

Allele frequency attached by ClinVar (database versions not stated): gnomAD 0.00002 and 0.00003; TOPMed 0.00002.
gnomAD v4.1: 64 of 1,605,318 alleles (0.004%); highest among the groups gnomAD compares: Non-Finnish European, 0.0054%; no homozygotes.

Submissions (15):

Labcorp Genetics (formerly Invitae), Labcorp
Classification: Benign for Peutz-Jeghers syndrome. Last evaluated: 2026-01-18. Review status: criteria provided, single submitter. Criteria: Invitae Variant Classification Sherloc (09022015). Collection method: clinical testing. Allele origin: germline.

CeGaT Center for Human Genetics Tuebingen
Classification: Uncertain significance. Last evaluated: 2026-01-01. Review status: criteria provided, single submitter. Criteria: CeGaT Center For Human Genetics Tuebingen Variant Classification Criteria Version 2. Collection method: clinical testing. Allele origin: germline. Affected: yes. Observed: 1 variant allele.

Center for Genomic Medicine, Rigshospitalet, Copenhagen University Hospital
Classification: Uncertain significance. Last evaluated: 2025-12-29. Review status: criteria provided, single submitter. Criteria: ACMG Guidelines, 2015. Collection method: clinical testing. Allele origin: germline.

GeneDx
Classification: Uncertain significance. Last evaluated: 2025-04-28. Review status: criteria provided, single submitter. Criteria: GeneDx Variant Classification Process June 2021. Collection method: clinical testing. Allele origin: germline. Affected: yes.
Comment: Not observed at significant frequency in large population cohorts (gnomAD); In silico analysis indicates that this missense variant does not alter protein structure/function; Observed in individuals with breast and other cancers (PMID: 26898890, 25980754, 34326862); This variant is associated with the following publications: (PMID: 25980754, 26898890, 34326862)

Quest Diagnostics Nichols Institute San Juan Capistrano
Classification: Uncertain significance. Last evaluated: 2025-03-05. Review status: criteria provided, single submitter. Criteria: Quest Diagnostics criteria. Collection method: clinical testing. Allele origin: unknown.
Comment: The STK11 c.1193C>T (p.Ala398Val) variant has been reported in the published literature in individuals with breast cancer (PMID: 34326862 (2021), 26898890 (2016)), suspected Lynch syndrome (PMID: 25980754 (2015)), or a family history of colorectal cancer (PMID: 39130150 (2023)). The frequency of this variant in the general population (Genome Aggregation Database) is higher than would generally be expected for pathogenic variants in this gene. Analysis of this variant using bioinformatics tools for the prediction of the effect of amino acid changes on protein structure and function yielded predictions that this variant is benign. Based on the available information, we are unable to determine the clinical significance of this variant.

Color Diagnostics, LLC DBA Color Health
Classification: Likely benign for Hereditary cancer-predisposing syndrome. Last evaluated: 2024-09-19. Review status: criteria provided, single submitter. Criteria: ACMG Guidelines, 2015. Collection method: clinical testing. Allele origin: germline.

Women's Health and Genetics/Laboratory Corporation of America, LabCorp
Classification: Uncertain significance. Last evaluated: 2024-07-05. Review status: criteria provided, single submitter. Criteria: LabCorp Variant Classification Summary - May 2015. Collection method: clinical testing. Allele origin: germline.
Comment: Variant summary: STK11 c.1193C>T (p.Ala398Val) results in a non-conservative amino acid change in the encoded protein sequence. Four of five in-silico tools predict a benign effect of the variant on protein function. The variant allele was found at a frequency of 1.3e-05 in 228336 control chromosomes. The available data on variant occurrences in the general population are insufficient to allow any conclusion about variant significance. c.1193C>T has been reported in the literature as a VUS in settings of multigene panel testing among individuals undergoing testing for hereditary cancer (example, Yurgelun_2015, Caminsky_2016, Bhai_2021), however it was also found in 2/7325 European American women, who were older than 70 years of age, and never had cancer (in the FLOSSIES database). These report(s) do not provide unequivocal conclusions about association of the variant with Peutz-Jeghers Syndrome. To our knowledge, no experimental evidence demonstrating an impact on protein function has been reported. The following publications have been ascertained in the context of this evaluation (PMID: 34326862, 26898890, 25980754). ClinVar contains an entry for this variant (Variation ID: 184646). Based on the evidence outlined above, the variant was classified as uncertain significance.

Myriad Genetics, Inc.
Classification: Uncertain significance for Peutz-Jeghers syndrome. Last evaluated: 2023-04-12. Review status: criteria provided, single submitter. Criteria: Myriad Autosomal Dominant, Autosomal Recessive and X-Linked Classification Criteria (2023). Collection method: clinical testing. Allele origin: unknown.
Comment: This variant is classified as a variant of uncertain significance as there is insufficient evidence to determine its impact on protein function and/or cancer risk.

MGZ Medical Genetics Center
Classification: Uncertain significance for Peutz-Jeghers syndrome. Last evaluated: 2022-03-04. Review status: criteria provided, single submitter. Criteria: ACMG Guidelines, 2015. Collection method: clinical testing. Allele origin: germline. Affected: yes. Observed: 3 variant alleles.
Comment: ACMG criteria applied: PM2_SUP, BP4

Genome-Nilou Lab
Classification: Uncertain significance for Peutz-Jeghers syndrome. Last evaluated: 2021-07-15. Review status: criteria provided, single submitter. Criteria: ACMG Guidelines, 2015. Collection method: clinical testing. Allele origin: germline. Affected: no.

Sema4
Classification: Uncertain significance for Hereditary cancer-predisposing syndrome. Last evaluated: 2021-06-01. Review status: criteria provided, single submitter. Criteria: Sema4 Curation Guidelines. Collection method: curation. Allele origin: germline.
Comment: The STK11 c.1193C>T (p.A398V) variant has been reported in heterozygosity in at least two individuals - one with breast cancer and the other with suspected Lynch syndrome (PMID: 26898890, 25980754). This variant was observed in 3/101798 chromosomes in the European (non-Finnish) population according to the Genome Aggregation Database (PMID: 32461654) and has been reported in ClinVar (Variation ID: 184646). In silico tools suggest the impact of the variant on protein function is benign, though these predictions have not been confirmed by functional studies. Based on the current evidence available, this variant is interpreted as a variant of uncertain significance.

Ambry Genetics
Classification: Likely benign for Hereditary cancer-predisposing syndrome. Last evaluated: 2020-08-24. Review status: criteria provided, single submitter. Criteria: Ambry Variant Classification Scheme 2023. Collection method: clinical testing. Allele origin: germline.

Institute of Human Genetics, University of Leipzig Medical Center
Classification: Uncertain significance for Breast carcinoma. Last evaluated: 2019-01-01. Review status: criteria provided, single submitter. Criteria: ACMG Guidelines, 2015. Collection method: clinical testing. Allele origin: unknown. Affected: yes.

Zotz-Klimas Genetics Lab, MVZ Zotz Klimas
Classification: Uncertain significance for Peutz-Jeghers syndrome. Last evaluated: 2023-10-09. Review status: no assertion criteria provided. Collection method: clinical testing. Allele origin: germline. Affected: yes. Not counted in ClinVar's aggregate classification.

Counsyl
Classification: Uncertain significance for Peutz-Jeghers syndrome. Last evaluated: 2017-01-04. Review status: no assertion criteria provided. Collection method: clinical testing. Allele origin: unknown. Not counted in ClinVar's aggregate classification.

Literature cited by the submitters: PubMed 26898890 (cited by 4 submitters); PubMed 25980754 (cited by 4 submitters); PubMed 34326862 (cited by Quest Diagnostics Nichols Institute San Juan Capistrano and Women's Health and Genetics/Laboratory Corporation of America, LabCorp); PubMed 39130150 (cited by Quest Diagnostics Nichols Institute San Juan Capistrano).